The following is an entry in ClinVar:

ClinVar aggregate classification (germline): Pathogenic (0 of 4 stars; one submission).

Conditions:
Fanconi anemia complementation group A (FANCA). Also called: Fanconi anemia, group A; FANCA-Related Fanconi Anemia. Identifiers: Orphanet 84, MedGen C3469521, MONDO:0009215, OMIM 227650.

Submission:

Leiden Open Variation Database
Classification: Pathogenic for Fanconi anemia complementation group A. Last evaluated: 2020-02-28. Review status: no assertion criteria provided. Collection method: curation. Allele origin: germline. Affected: yes.
Comment: Curator: Arleen D. Auerbach. Submitter to LOVD: Arleen D. Auerbach.

Literature cited by the submitters: PubMed 21273304.

NM_000135.4(FANCA):c.4123_4139del (p.Thr1375fs)

Genes: FANCA (FA complementation group A; minus strand), ZNF276 (zinc finger protein 276; plus strand). Cytogenetic location: 16q24.3.
Variant type: Deletion.
Coding change: c.4123_4139del on transcript NM_000135.4 (MANE Select); coding-DNA positions 4123 to 4139, 17 bases deleted (ACAGTTTCACCTCCAGC).
Protein change: p.Thr1375fs; shifts the reading frame from threonine 1375.
Molecular consequence: frameshift variant. On other transcripts: 3 prime UTR variant (2), non-coding transcript variant (4).
Genome position (GRCh38, 1-based): chr16:89,739,161-89,739,177, GCTGGAGGTGAAACTGT deleted on the plus strand (ACAGTTTCACCTCCAGC on the coding strand, the reverse complement: FANCA is on the minus strand); deleting any 17 consecutive bases within chr16:89,739,161-89,739,180 gives the same sequence; the c. name uses the placement nearest the transcript's 3' end. VCF-style (leftmost placement, unchanged base first): chr16-89739160-AGCTGGAGGTGAAACTGT-A. GRCh37 (hg19) VCF-style: chr16-89805568-AGCTGGAGGTGAAACTGT-A.
Other names: c.4120_4136del17, p.Thr1375Trpfs (NM_000135.2); c.4123_4139del, p.Thr1375fs (NM_001286167.3); c.*918_*934del (NM_001113525.2, NM_152287.4); short protein forms T1375fs.
Identifiers: ClinVar variation 974168 (VCV000974168.1), dbSNP rs2062054591, ClinGen allele CA1139664943.